The following is an entry in ClinVar:

NM_001614.5(ACTG1):c.548G>A (p.Arg183Gln)

Gene: ACTG1 (actin gamma 1; minus strand). Cytogenetic location: 17q25.3.
Variant type: single nucleotide variant.
Coding change: c.548G>A on transcript NM_001614.5 (MANE Select); coding-DNA position 548, G replaced by A.
Protein change: p.Arg183Gln; replaces arginine 183 with glutamine.
Molecular consequence: missense variant. On other transcripts: non-coding transcript variant (1).
Genome position (GRCh38, 1-based): chr17:81,511,442, C>T on the plus strand (G>A on the coding strand, the complement: ACTG1 is on the minus strand). VCF-style: chr17-81511442-C-T. GRCh37 (hg19) VCF-style: chr17-79478468-C-T.
Other names: c.548G>A, p.Arg183Gln (NM_001199954.3); c.548G>A (NM_001614.3); short protein forms R183Q.
Identifiers: ClinVar variation 505063 (VCV000505063.10), dbSNP rs781945750, ClinGen allele CA8836055.

ClinVar aggregate classification (germline): Pathogenic/Likely pathogenic. Review status: criteria provided, multiple submitters, no conflicts (2 of 4 stars). 4 submissions from 4 submitters: Pathogenic (2); Likely pathogenic (1). 1 of the submissions does not count toward it. Last evaluated 2025-09-16.

Conditions:
Autosomal dominant nonsyndromic hearing loss 20. Identifiers: Orphanet 90635, MedGen C1858172, MONDO:0011480, OMIM 604717.
Baraitser-winter syndrome 2. Identifiers: Orphanet 2995, MedGen C3281235, MONDO:0013812, OMIM 614583.
ACTG1-related disorder. Also called: ACTG1-related condition; ACTG1-related disorders.

Allele frequency attached by ClinVar (database versions not stated): gnomAD exomes below 0.00001; ExAC 0.00001.
gnomAD v4.1: 1 of 1,613,900 alleles (0.000062%); highest among the groups gnomAD compares: Non-Finnish European, 0.000085%; no homozygotes.

Submissions (4):

GeneDx
Classification: Pathogenic. Last evaluated: 2025-09-16. Review status: criteria provided, single submitter. Criteria: GeneDx Variant Classification Process June 2021. Collection method: clinical testing. Allele origin: germline. Affected: yes.
Comment: Missense variants in this gene are a common cause of disease and they are underrepresented in the general population; In silico analysis supports that this missense variant has a deleterious effect on protein structure/function; This variant is associated with the following publications: (PMID: 29986705, 30622556, 31706454, 36597107)

Labcorp Genetics (formerly Invitae), Labcorp
Classification: Pathogenic for Baraitser-winter syndrome 2; Autosomal dominant nonsyndromic hearing loss 20. Last evaluated: 2024-09-14. Review status: criteria provided, single submitter. Criteria: Invitae Variant Classification Sherloc (09022015). Collection method: clinical testing. Allele origin: germline.
Comment: This sequence change replaces arginine, which is basic and polar, with glutamine, which is neutral and polar, at codon 183 of the ACTG1 protein (p.Arg183Gln). This variant is present in population databases (rs781945750, gnomAD 0.0009%). This missense change has been observed in individual(s) with autosomal dominant deafness (PMID: 29986705, 30622556). In at least one individual the variant was observed to be de novo. ClinVar contains an entry for this variant (Variation ID: 505063). Invitae Evidence Modeling of protein sequence and biophysical properties (such as structural, functional, and spatial information, amino acid conservation, physicochemical variation, residue mobility, and thermodynamic stability) indicates that this missense variant is not expected to disrupt ACTG1 protein function with a negative predictive value of 80%. This variant disrupts the p.Arg183 amino acid residue in ACTG1. Other variant(s) that disrupt this residue have been determined to be pathogenic (internal data). This suggests that this residue is clinically significant, and that variants that disrupt this residue are likely to be disease-causing. For these reasons, this variant has been classified as Pathogenic.

Blueprint Genetics
Classification: Likely pathogenic for ACTG1-related disorders. Last evaluated: 2020-04-14. Review status: criteria provided, single submitter. Criteria: ACMG Guidelines, 2015. Collection method: clinical testing. Allele origin: germline. Affected: yes. Observed: 1 variant allele.

Laboratory for Molecular Medicine, Mass General Brigham Personalized Medicine
Classification: Uncertain significance. Last evaluated: 2016-06-08. Review status: flagged submission. Criteria: LMM Criteria. Collection method: clinical testing. Allele origin: germline. Observed: 1 variant allele. Not counted in ClinVar's aggregate classification.
Comment: The p.Arg183Gln variant in ACTG1 has not been previously reported in individuals with hearing loss. This variant has been identified in 1/65442 European chromos omes by the Exome Aggregation Consortium (ExAC; dbSNP rs781945750). Although this variant has been seen in the general populatio n, its frequency is not high enough to rule out a pathogenic role. Computational prediction tools and conservation analyses suggest the variant may impact the p rotein, though this data is not sufficient to determine pathogenicity. In summar y, the clinical significance of the p.Arg183Gln variant is uncertain.
ClinVar note: Reason: Older claim that does not account for recent evidence

Literature cited by the submitters: PubMed 29986705 (cited by Labcorp Genetics (formerly Invitae), Labcorp); PubMed 30622556 (cited by Labcorp Genetics (formerly Invitae), Labcorp).